The following is an entry in ClinVar:

ClinVar aggregate classification (germline): Uncertain significance (1 of 4 stars; one submission).

gnomAD v4.1: 8 of 1,612,674 alleles (0.0005%); highest among the groups gnomAD compares: Non-Finnish European, 0.00068%; no homozygotes.

Submission:

Labcorp Genetics (formerly Invitae), Labcorp
Classification: Uncertain significance. Last evaluated: 2025-12-08. Review status: criteria provided, single submitter. Criteria: Invitae Variant Classification Sherloc (09022015). Collection method: clinical testing. Allele origin: germline.
Comment: This sequence change replaces aspartic acid, which is acidic and polar, with asparagine, which is neutral and polar, at codon 172 of the ERCC8 protein (p.Asp172Asn). This variant is present in population databases (no rsID available, gnomAD 0.0009%). This variant has not been reported in the literature in individuals affected with ERCC8-related conditions. ClinVar contains an entry for this variant (Variation ID: 3603494). Invitae Evidence Modeling of protein sequence and biophysical properties (such as structural, functional, and spatial information, amino acid conservation, physicochemical variation, residue mobility, and thermodynamic stability) has been performed for this missense variant. However, the output from this modeling did not meet the statistical confidence thresholds required to predict the impact of this variant on ERCC8 protein function. In summary, the available evidence is currently insufficient to determine the role of this variant in disease. Therefore, it has been classified as a Variant of Uncertain Significance.

NM_000082.4(ERCC8):c.514G>A (p.Asp172Asn)

Gene: ERCC8 (ERCC excision repair 8, CSA ubiquitin ligase complex subunit; minus strand). Cytogenetic location: 5q12.1.
Variant type: single nucleotide variant.
Coding change: c.514G>A on transcript NM_000082.4 (MANE Select); coding-DNA position 514, G replaced by A.
Protein change: p.Asp172Asn; replaces aspartic acid 172 with asparagine.
Molecular consequence: missense variant.
Genome position (GRCh38, 1-based): chr5:60,903,684, C>T on the plus strand (G>A on the coding strand, the complement: ERCC8 is on the minus strand). VCF-style: chr5-60903684-C-T. GRCh37 (hg19) VCF-style: chr5-60199511-C-T.
Other names: c.340G>A, p.Asp114Asn (NM_001007233.3); c.514G>A, p.Asp172Asn (NM_001007234.3); c.55G>A, p.Asp19Asn (NM_001290285.2); short protein forms D114N, D172N, D19N.
Identifiers: ClinVar variation 3603494 (VCV003603494.2).
Genomic context (GRCh38, chr5:60,903,684, plus strand): 5'-CCGTTTGAAATAAAATAAAAATACCCTGTAGAATGTGAGAACAGGATCCAGACTTCAAGT[C>T]ACAAAGTTGTACTTTGGGTCCTCTAGTACCAACTGTAAAAACAGAACCGGTTTAAGATAA-3'
Protein context (NP_000073.1, residues 162-182): GTRGPKVQLC[Asp172Asn]LKSGSCSHIL